The following is an entry in ClinVar:

ClinVar aggregate classification (germline): Pathogenic/Likely pathogenic. Review status: criteria provided, multiple submitters, no conflicts (2 of 4 stars). 5 submissions from 5 submitters: Pathogenic (1); Likely pathogenic (3). 1 of the submissions does not count toward it. Last evaluated 2024-04-29.

Conditions:
Severe combined immunodeficiency, autosomal recessive, T cell-negative, B cell-negative, NK cell-negative, due to adenosine deaminase deficiency. Also called: ADA deficiency; Adenosine deaminase deficient severe combined immunodeficiency; Severe combined immunodeficiency due to ADA deficiency; SCID DUE TO ADA DEFICIENCY; SCID DUE TO ADA DEFICIENCY, EARLY-ONSET; Adenosine Deaminase Deficiency. Identifiers: Orphanet 277, MedGen C0392607, MONDO:0007064, OMIM 102700.

Allele frequency attached by ClinVar (database versions not stated): gnomAD 0.00001; gnomAD exomes 0.00001; ExAC 0.00002; 1000 Genomes Project 30x 0.00016; 1000 Genomes Project 0.00020.
gnomAD v4.1: 11 of 1,614,164 alleles (0.00068%); highest among the groups gnomAD compares: Admixed American, 0.0033%; no homozygotes.

Submissions (5):

Labcorp Genetics (formerly Invitae), Labcorp
Classification: Pathogenic for Severe combined immunodeficiency, autosomal recessive, T cell-negative, B cell-negative, NK cell-negative, due to adenosine deaminase deficiency. Last evaluated: 2024-04-29. Review status: criteria provided, single submitter. Criteria: Invitae Variant Classification Sherloc (09022015). Collection method: clinical testing. Allele origin: germline.
Comment: This sequence change affects a donor splice site in intron 3 of the ADA gene. It is expected to disrupt RNA splicing. Variants that disrupt the donor or acceptor splice site typically lead to a loss of protein function (PMID: 16199547), and loss-of-function variants in ADA are known to be pathogenic (PMID: 26255240, 26376800). This variant is present in population databases (rs528390681, gnomAD 0.007%). Disruption of this splice site has been observed in individuals with clinical features of severe combined immunodeficiency (PMID: 35482138; Invitae). ClinVar contains an entry for this variant (Variation ID: 555722). Algorithms developed to predict the effect of sequence changes on RNA splicing suggest that this variant may disrupt the consensus splice site. For these reasons, this variant has been classified as Pathogenic.

Department of Pathology and Laboratory Medicine, Sinai Health System
Classification: Likely pathogenic for Severe combined immunodeficiency, autosomal recessive, T cell-negative, B cell-negative, NK cell-negative, due to adenosine deaminase deficiency. Last evaluated: 2023-08-31. Review status: criteria provided, single submitter. Criteria: ACMG Guidelines, 2015. Collection method: research. Allele origin: germline.

Baylor Genetics
Classification: Likely pathogenic for Severe combined immunodeficiency, autosomal recessive, T cell-negative, B cell-negative, NK cell-negative, due to adenosine deaminase deficiency. Last evaluated: 2023-02-13. Review status: criteria provided, single submitter. Criteria: ACMG Guidelines, 2015. Collection method: clinical testing. Allele origin: unknown.

Juno Genomics, Hangzhou Juno Genomics, Inc
Classification: Likely pathogenic for Severe combined immunodeficiency, autosomal recessive, T cell-negative, B cell-negative, NK cell-negative, due to adenosine deaminase deficiency. Review status: criteria provided, single submitter. Criteria: ACMG Guidelines, 2015. Collection method: clinical testing. Allele origin: germline.
Comment: Absent from controls (or at extremely low frequency if recessive) in Genome Aggregation Database.;Null variant in a gene where loss of function (LOF) is a known mechanism of disease.;For recessive disorders, detected in trans with a pathogenic variant.

Counsyl
Classification: Likely pathogenic for Severe combined immunodeficiency, autosomal recessive, T cell-negative, B cell-negative, NK cell-negative, due to adenosine deaminase deficiency. Last evaluated: 2017-12-19. Review status: no assertion criteria provided. Collection method: clinical testing. Allele origin: unknown. Not counted in ClinVar's aggregate classification.

Literature cited by the submitters: PubMed 16199547 (cited by Labcorp Genetics (formerly Invitae), Labcorp); PubMed 26255240 (cited by Labcorp Genetics (formerly Invitae), Labcorp); PubMed 26376800 (cited by Labcorp Genetics (formerly Invitae), Labcorp); PubMed 35482138 (cited by Labcorp Genetics (formerly Invitae), Labcorp).

NM_000022.4(ADA):c.218+1G>A

Genes: ADA (adenosine deaminase; minus strand), LOC107303343 (adenosine deaminase intronic regulatory elements; plus strand). Cytogenetic location: 20q13.12.
Variant type: single nucleotide variant.
Coding change: c.218+1G>A on transcript NM_000022.4 (MANE Select); the canonical splice donor site of the intron after coding-DNA position 218, G replaced by A.
Molecular consequence: splice donor variant.
Genome position (GRCh38, 1-based): chr20:44,629,046, C>T on the plus strand (G>A on the coding strand, the complement: ADA is on the minus strand). VCF-style: chr20-44629046-C-T. GRCh37 (hg19) VCF-style: chr20-43257687-C-T.
Other names: c.-72+1G>A (NM_001322050.2); c.218+1G>A (NM_001322051.2).
Identifiers: ClinVar variation 555722 (VCV000555722.14), dbSNP rs528390681, ClinGen allele CA9871736.